The following is an entry in ClinVar:

NM_001100913.3(PACS2):c.1114A>G (p.Thr372Ala)

Gene: PACS2 (phosphofurin acidic cluster sorting protein 2; plus strand). Cytogenetic location: 14q32.33.
Variant type: single nucleotide variant.
Coding change: c.1114A>G on transcript NM_001100913.3 (MANE Select); coding-DNA position 1114, A replaced by G.
Protein change: p.Thr372Ala; replaces threonine 372 with alanine.
Molecular consequence: missense variant.
Genome position (GRCh38, 1-based): chr14:105,380,143, A>G. VCF-style: chr14-105380143-A-G. GRCh37 (hg19) VCF-style: chr14-105846480-A-G.
Other names: c.889A>G, p.Thr297Ala (NM_001243127.3); c.1114A>G, p.Thr372Ala (NM_015197.4); short protein forms T297A, T372A.
Identifiers: ClinVar variation 1909354 (VCV001909354.5), dbSNP rs782331454, ClinGen allele CA7388707.
Genomic context (GRCh38, chr14:105,380,143, plus strand): 5'-GACGTGCCCGAGAAGACGCGGTCCCTGGGAGGCAGGCAGCCGAGCGACAGTGTCTCTGAC[A>G]CGGTGGCCCTCGTAAGCAGGCTTGGGCCGCACCCACCCGTTCCACACATCAGGCACACCA-3'
Protein context (NP_001094383.2, residues 362-382): GRQPSDSVSD[Thr372Ala]VALGVPGPRE

ClinVar aggregate classification (germline): Uncertain significance (1 of 4 stars; one submission).

Allele frequency attached by ClinVar (database versions not stated): TOPMed below 0.00001; gnomAD 0.00001; gnomAD exomes 0.00001; ExAC 0.00005.
gnomAD v4.1: 9 of 1,551,976 alleles (0.00058%); highest among the groups gnomAD compares: Non-Finnish European, 0.00078%; no homozygotes.

Submission:

Labcorp Genetics (formerly Invitae), Labcorp
Classification: Uncertain significance. Last evaluated: 2022-09-02. Review status: criteria provided, single submitter. Criteria: Invitae Variant Classification Sherloc (09022015). Collection method: clinical testing. Allele origin: germline.
Comment: This sequence change replaces threonine, which is neutral and polar, with alanine, which is neutral and non-polar, at codon 372 of the PACS2 protein (p.Thr372Ala). This variant is present in population databases (rs782331454, gnomAD 0.004%). This variant has not been reported in the literature in individuals affected with PACS2-related conditions. Algorithms developed to predict the effect of missense changes on protein structure and function (SIFT, PolyPhen-2, Align-GVGD) all suggest that this variant is likely to be tolerated. In summary, the available evidence is currently insufficient to determine the role of this variant in disease. Therefore, it has been classified as a Variant of Uncertain Significance.